The following is an entry in ClinVar:

ClinVar aggregate classification (germline): Likely pathogenic (1 of 4 stars; one submission).

Conditions:
Congenital adrenal hyperplasia. Identifiers: Orphanet 418, MedGen C0001627, MONDO:0018479, HP:0008258.

Allele frequency attached by ClinVar (database versions not stated): gnomAD 0.00001; gnomAD exomes 0.00001 and 0.00002; ExAC 0.00003; TOPMed 0.00003.
gnomAD v4.1: 23 of 1,613,824 alleles (0.0014%); highest among the groups gnomAD compares: Admixed American, 0.0017%; no homozygotes.

Submission:

Women's Health and Genetics/Laboratory Corporation of America, LabCorp
Classification: Likely pathogenic for Congenital Adrenal Hyperplasia. Last evaluated: 2011-08-18. Review status: criteria provided, single submitter. Criteria: LabCorp Variant Classification Summary - May 2015. Collection method: curation, clinical testing. Allele origin: germline. Inheritance: autosomal recessive. Affected: yes. Observed: 1 variant allele.
ClinVar note: Converted during submission from likely pathogenic to Likely pathogenic.

Literature cited by the submitters: PubMed 20089618.

NM_000497.4(CYP11B1):c.264G>A (p.Met88Ile)

Gene: CYP11B1 (cytochrome P450 family 11 subfamily B member 1; minus strand). Cytogenetic location: 8q24.3.
Variant type: single nucleotide variant.
Coding change: c.264G>A on transcript NM_000497.4 (MANE Select); coding-DNA position 264, G replaced by A.
Protein change: p.Met88Ile; replaces methionine 88 with isoleucine.
Molecular consequence: missense variant.
Genome position (GRCh38, 1-based): chr8:142,879,163, C>T on the plus strand (G>A on the coding strand, the complement: CYP11B1 is on the minus strand). VCF-style: chr8-142879163-C-T. GRCh37 (hg19) VCF-style: chr8-143960579-C-T.
Other names: c.264G>A, p.Met88Ile (NM_001026213.1); short protein forms M88I.
Identifiers: ClinVar variation 35988 (VCV000035988.3), dbSNP rs193922539, ClinGen allele CA213665.